The following is an entry in ClinVar:

NM_015570.4(AUTS2):c.1290G>T (p.Pro430=)

Gene: AUTS2 (activator of transcription and developmental regulator AUTS2; plus strand). Cytogenetic location: 7q11.22.
Variant type: single nucleotide variant.
Coding change: c.1290G>T on transcript NM_015570.4 (MANE Select); coding-DNA position 1290, G replaced by T.
Protein change: p.Pro430=; no amino-acid change (proline 430 retained).
Molecular consequence: synonymous variant.
Genome position (GRCh38, 1-based): chr7:70,764,827, G>T. VCF-style: chr7-70764827-G-T. GRCh37 (hg19) VCF-style: chr7-70229813-G-T.
Other names: c.1290G>T, p.Pro430= (NM_001127231.3).
Identifiers: ClinVar variation 3044710 (VCV003044710.2), dbSNP rs1457037255, ClinGen allele CA455801014.

ClinVar aggregate classification (germline): Likely benign (0 of 4 stars; one submission).

Conditions:
AUTS2-related disorder. Also called: AUTS2-related condition.

Submission:

PreventionGenetics, part of Exact Sciences
Classification: Likely benign for AUTS2-related condition. Last evaluated: 2019-05-28. Review status: no assertion criteria provided. Collection method: clinical testing. Allele origin: germline.
Comment: This variant is classified as likely benign based on ACMG/AMP sequence variant interpretation guidelines (Richards et al. 2015 PMID: 25741868, with internal and published modifications).